The following is an entry in ClinVar:

ClinVar aggregate classification (germline): Benign/Likely benign. Review status: criteria provided, multiple submitters, no conflicts (2 of 4 stars). 5 submissions from 5 submitters: Benign (4); Likely benign (1). Last evaluated 2026-02-04.

Conditions:
Combined immunodeficiency due to MALT1 deficiency. Also called: Immunodeficiency 12. Identifiers: Orphanet 397964, MedGen C3809583, MONDO:0014197, OMIM 615468.

Allele frequency attached by ClinVar (database versions not stated): gnomAD exomes 0.23486 and 0.25142; gnomAD 0.24174 and 0.24198; 1000 Genomes Project 0.24501; ESP Exome Variant Server 0.24815; 1000 Genomes Project 30x 0.25187; TOPMed 0.25202; ExAC 0.26045.
gnomAD v4.1: 359,748 of 1,525,124 alleles (24%); highest among the groups gnomAD compares: Middle Eastern, 33%; 43,763 homozygotes.

Submissions (5):

Labcorp Genetics (formerly Invitae), Labcorp
Classification: Benign for Combined immunodeficiency due to MALT1 deficiency. Last evaluated: 2026-02-04. Review status: criteria provided, single submitter. Criteria: Invitae Variant Classification Sherloc (09022015). Collection method: clinical testing. Allele origin: germline.

Women's Health and Genetics/Laboratory Corporation of America, LabCorp
Classification: Benign. Last evaluated: 2026-01-21. Review status: criteria provided, single submitter. Criteria: LabCorp Variant Classification Summary - May 2015. Collection method: clinical testing. Allele origin: germline.

Blueprint Genetics
Classification: Likely benign. Last evaluated: 2024-11-28. Review status: criteria provided, single submitter. Criteria: ACMG Guidelines, 2015. Collection method: clinical testing. Allele origin: germline.

Unidad de Genómica Garrahan, Hospital de Pediatría Garrahan
Classification: Benign. Last evaluated: 2024-01-24. Review status: criteria provided, single submitter. Criteria: ACMG Guidelines, 2015. Collection method: clinical testing. Allele origin: germline. Affected: no. Observed: 50 variant alleles.
Comment: This variant is classified as Benign based on local population frequency. This variant was detected in 53% of patients studied by a panel of primary immunodeficiencies. Number of patients: 50. Only high quality variants are reported.

Breakthrough Genomics
Classification: Benign. Review status: criteria provided, single submitter. Criteria: ACMG Guidelines, 2015. Collection method: not provided. Allele origin: germline. Inheritance: Autosomal recessive inheritance. Affected: yes.

NM_006785.4(MALT1):c.1400+20T>C

Gene: MALT1 (MALT1 paracaspase; plus strand). Cytogenetic location: 18q21.32.
Variant type: single nucleotide variant.
Coding change: c.1400+20T>C on transcript NM_006785.4 (MANE Select); 20 bases into the intron after coding-DNA position 1400, T replaced by C.
Molecular consequence: intron variant.
Genome position (GRCh38, 1-based): chr18:58,733,594, T>C. VCF-style: chr18-58733594-T-C. GRCh37 (hg19) VCF-style: chr18-56400826-T-C.
Other names: c.1367+20T>C (NM_173844.3).
Identifiers: ClinVar variation 1170204 (VCV001170204.14), dbSNP rs28740963, ClinGen allele CA8977890.